The following is an entry in ClinVar:

ClinVar aggregate classification (germline): Uncertain significance (1 of 4 stars; one submission).

Submission:

GeneDx
Classification: Uncertain significance. Last evaluated: 2023-04-06. Review status: criteria provided, single submitter. Criteria: GeneDx Variant Classification Process June 2021. Collection method: clinical testing. Allele origin: germline. Affected: yes.
Comment: Frameshift variant predicted to result in protein truncation or nonsense mediated decay in a gene or region of a gene for which loss of function is not a well-established mechanism of disease; Not observed at significant frequency in large population cohorts (gnomAD); Has not been previously published as pathogenic or benign to our knowledge

NM_001042603.3(KDM5A):c.2938del (p.Glu980fs)

Gene: KDM5A (lysine demethylase 5A; minus strand). Cytogenetic location: 12p13.33.
Variant type: Deletion.
Coding change: c.2938del on transcript NM_001042603.3 (MANE Select); coding-DNA position 2938, one base deleted (G; older notation c.2938delG).
Protein change: p.Glu980fs; shifts the reading frame from glutamic acid 980.
Molecular consequence: frameshift variant.
Genome position (GRCh38, 1-based): chr12:313,154, C deleted on the plus strand (G on the coding strand, the reverse complement: KDM5A is on the minus strand). VCF-style (leftmost placement, unchanged base first): chr12-313153-TC-T. GRCh37 (hg19) VCF-style: chr12-422319-TC-T.
Other names: short protein forms E980fs.
Identifiers: ClinVar variation 2662148 (VCV002662148.1), dbSNP rs2498226479, ClinGen allele CA2695199046.
Genomic context (GRCh38, chr12:313,153, plus strand): 5'-TTTTGTAAGGCTTCTTTCAAGGACAACACATTGGGTAGAAAGGCTGGAATGTTCTTGGCT[TC>T]ATTCACAATGCTTTCTAAACTTGCCACACTGTGCCTCGGTCTAAAAGAACAATAAAAACA-3'